The following is an entry in ClinVar:

ClinVar aggregate classification (germline): Benign/Likely benign. Review status: criteria provided, multiple submitters, no conflicts (2 of 4 stars). 3 submissions from 3 submitters: Benign (2); Likely benign (1). Last evaluated 2025-10-09.

Conditions:
Infantile-onset X-linked spinal muscular atrophy. Also called: Spinal Muscular Atrophy, X-Linked Infantile; AMC, DISTAL, X-LINKED; ARTHROGRYPOSIS, X-LINKED, TYPE I; SPINAL MUSCULAR ATROPHY, X-LINKED LETHAL INFANTILE; Spinal muscular atrophy, X-linked 2. Identifiers: Orphanet 1145, MedGen C1844934, MONDO:0010532, OMIM 301830.

Allele frequency attached by ClinVar (database versions not stated): gnomAD exomes 0.00013 and 0.00035; 1000 Genomes Project 30x 0.00021; 1000 Genomes Project 0.00026; ExAC 0.00050; gnomAD 0.00087 and 0.00095; TOPMed 0.00122; ESP Exome Variant Server 0.00180.
gnomAD v4.1: 244 of 1,204,812 alleles (0.02%); highest among the groups gnomAD compares: African/African-American, 0.36%; 1 homozygote.

Submissions (3):

Labcorp Genetics (formerly Invitae), Labcorp
Classification: Benign for Infantile-onset X-linked spinal muscular atrophy. Last evaluated: 2025-10-09. Review status: criteria provided, single submitter. Criteria: Invitae Variant Classification Sherloc (09022015). Collection method: clinical testing. Allele origin: germline.

Blueprint Genetics
Classification: Likely benign. Last evaluated: 2024-09-18. Review status: criteria provided, single submitter. Criteria: ACMG Guidelines, 2015. Collection method: clinical testing. Allele origin: germline.

Illumina Laboratory Services, Illumina
Classification: Benign for Infantile-onset X-linked spinal muscular atrophy. Last evaluated: 2018-01-13. Review status: criteria provided, single submitter. Criteria: ICSL Variant Classification Criteria 13 December 2019. Collection method: clinical testing. Allele origin: germline.
Comment: This variant was observed in the ICSL laboratory as part of a predisposition screen in an ostensibly healthy population. It had not been previously curated by ICSL or reported in the Human Gene Mutation Database (HGMD: prior to June 1st, 2018), and was therefore a candidate for classification through an automated scoring system. Utilizing variant allele frequency, disease prevalence and penetrance estimates, and inheritance mode, an automated score was calculated to assess if this variant is too frequent to cause the disease. Based on the score and internal cut-off values, a variant classified as benign is not then subjected to further curation. The score for this variant resulted in a classification of benign for this disease.

NM_003334.4(UBA1):c.909+12G>A

Gene: UBA1 (ubiquitin like modifier activating enzyme 1; plus strand). Cytogenetic location: Xp11.3.
Variant type: single nucleotide variant.
Coding change: c.909+12G>A on transcript NM_003334.4 (MANE Select); 12 bases into the intron after coding-DNA position 909, G replaced by A.
Molecular consequence: intron variant.
Genome position (GRCh38, 1-based): chrX:47,202,265, G>A. VCF-style: chrX-47202265-G-A. GRCh37 (hg19) VCF-style: chrX-47061664-G-A.
Other names: c.909+12G>A (NM_153280.3).
Identifiers: ClinVar variation 368332 (VCV000368332.13), dbSNP rs367556596, ClinGen allele CA10395785.
Genomic context (GRCh38, chrX:47,202,265, plus strand): 5'-CCGTGGAGGCATCGTCAGTCAGGTCAAAGTACCTAAGAAGATTAGCTTTGTGAGTGTGTC[G>A]ATGGGATCAGTGGGCTGTGGGGGGTGGTTCTAGGCATTCCCTAGTTCTCCATTCCTCTCT-3'